The following is an entry in ClinVar:

ClinVar aggregate classification (germline): Uncertain significance (1 of 4 stars; one submission).

Conditions:
Inborn genetic diseases. Identifiers: MedGen C0950123, MeSH D030342.

gnomAD v4.1: 1 of 1,614,114 alleles (0.000062%); highest among the groups gnomAD compares: Non-Finnish European, 0.000085%; no homozygotes.

Submission:

Ambry Genetics
Classification: Uncertain significance for Inborn genetic diseases. Last evaluated: 2025-07-25. Review status: criteria provided, single submitter. Criteria: Ambry Variant Classification Scheme 2023. Collection method: clinical testing. Allele origin: germline.
Comment: The p.Y507N variant (also known as c.1519T>A), located in coding exon 14 of the DDX41 gene, results from a T to A substitution at nucleotide position 1519. The tyrosine at codon 507 is replaced by asparagine, an amino acid with dissimilar properties. This amino acid position is highly conserved in available vertebrate species. In addition, this alteration is predicted to be deleterious by in silico analysis. Based on the available evidence, the clinical significance of this variant remains unclear.

NM_016222.4(DDX41):c.1519T>A (p.Tyr507Asn)

Gene: DDX41 (DEAD-box helicase 41; minus strand). Cytogenetic location: 5q35.3.
Variant type: single nucleotide variant.
Coding change: c.1519T>A on transcript NM_016222.4 (MANE Select); coding-DNA position 1519, T replaced by A.
Protein change: p.Tyr507Asn; replaces tyrosine 507 with asparagine.
Molecular consequence: missense variant.
Genome position (GRCh38, 1-based): chr5:177,512,526, A>T on the plus strand (T>A on the coding strand, the complement: DDX41 is on the minus strand). VCF-style: chr5-177512526-A-T. GRCh37 (hg19) VCF-style: chr5-176939527-A-T.
Other names: c.1141T>A, p.Tyr381Asn (NM_001321732.2, NM_001321830.2); short protein forms Y381N, Y507N.
Identifiers: ClinVar variation 4238761 (VCV004238761.1).